The following is an entry in ClinVar:

NM_001080453.3(INTS1):c.2178G>A (p.Pro726=)

Gene: INTS1 (integrator complex subunit 1; minus strand). Cytogenetic location: 7p22.3.
Variant type: single nucleotide variant.
Coding change: c.2178G>A on transcript NM_001080453.3 (MANE Select); coding-DNA position 2178, G replaced by A.
Protein change: p.Pro726=; no amino-acid change (proline 726 retained).
Molecular consequence: synonymous variant.
Genome position (GRCh38, 1-based): chr7:1,489,670, C>T on the plus strand (G>A on the coding strand, the complement: INTS1 is on the minus strand). VCF-style: chr7-1489670-C-T. GRCh37 (hg19) VCF-style: chr7-1529306-C-T.
Identifiers: ClinVar variation 1676522 (VCV001676522.3), dbSNP rs542331846, ClinGen allele CA4119952.

ClinVar aggregate classification (germline): Uncertain significance (1 of 4 stars; one submission).

gnomAD v4.1: 73 of 1,556,824 alleles (0.0047%); highest among the groups gnomAD compares: African/African-American, 0.011%; no homozygotes.

Submission:

Greenwood Genetic Center Diagnostic Laboratories, Greenwood Genetic Center
Classification: Uncertain significance. Last evaluated: 2022-01-04. Review status: criteria provided, single submitter. Criteria: ACMG Guidelines, 2015. Collection method: clinical testing. Allele origin: germline. Affected: yes.
Comment: PM2